The following is an entry in ClinVar:

ClinVar aggregate classification (germline): Uncertain significance (1 of 4 stars; one submission).

Conditions:
Brachyolmia-amelogenesis imperfecta syndrome. Also called: PLATYSPONDYLY WITH AMELOGENESIS IMPERFECTA; Tooth agenesis, selective, 6; Dental anomalies and short stature. Identifiers: Orphanet 2899, MedGen C1832594, MONDO:0011018, OMIM 601216. Disease mechanism: loss of function.

Allele frequency attached by ClinVar (database versions not stated): TOPMed below 0.00001; gnomAD exomes 0.00001.
gnomAD v4.1: 8 of 1,605,544 alleles (0.0005%); highest among the groups gnomAD compares: Non-Finnish European, 0.00068%; no homozygotes.

Submission:

Labcorp Genetics (formerly Invitae), Labcorp
Classification: Uncertain significance for Brachyolmia-amelogenesis imperfecta syndrome. Last evaluated: 2023-04-28. Review status: criteria provided, single submitter. Criteria: Invitae Variant Classification Sherloc (09022015). Collection method: clinical testing. Allele origin: germline.
Comment: In summary, the available evidence is currently insufficient to determine the role of this variant in disease. Therefore, it has been classified as a Variant of Uncertain Significance. An algorithm developed to predict the effect of missense changes on protein structure and function (PolyPhen-2) suggests that this variant is likely to be disruptive. This variant has not been reported in the literature in individuals affected with LTBP3-related conditions. This variant is not present in population databases (gnomAD no frequency). This sequence change replaces glycine, which is neutral and non-polar, with arginine, which is basic and polar, at codon 740 of the LTBP3 protein (p.Gly740Arg).

NM_001130144.3(LTBP3):c.2218G>A (p.Gly740Arg)

Genes: LTBP3 (latent transforming growth factor beta binding protein 3; minus strand), LOC130006030 (ATAC-STARR-seq lymphoblastoid silent region 3533; plus strand). Cytogenetic location: 11q13.1.
Variant type: single nucleotide variant.
Coding change: c.2218G>A on transcript NM_001130144.3 (MANE Select); coding-DNA position 2218, G replaced by A.
Protein change: p.Gly740Arg; replaces glycine 740 with arginine.
Molecular consequence: missense variant.
Genome position (GRCh38, 1-based): chr11:65,546,810, C>T on the plus strand (G>A on the coding strand, the complement: LTBP3 is on the minus strand). VCF-style: chr11-65546810-C-T. GRCh37 (hg19) VCF-style: chr11-65314281-C-T.
Other names: c.1867G>A, p.Gly623Arg (NM_001164266.1); c.2218G>A, p.Gly740Arg (NM_021070.4); short protein forms G623R, G740R.
Identifiers: ClinVar variation 2725936 (VCV002725936.3), dbSNP rs1856393306, ClinGen allele CA381269879.
Genomic context (GRCh38, chr11:65,546,810, plus strand): 5'-GGAGGCACCTGACGGCCCCACCCACTCGGCTCCGGGCCCCGCCCTCACCGCGACAGGCCC[C>T]GCCCCCCTGGCTGCGGTAGCCAGGCTGACAGGCGATGCACTTGAAGCTCCCGGGCTTGTT-3'
Protein context (NP_001123616.1, residues 730-750): CQPGYRSQGG[Gly740Arg]ACRDVNECAE